The following is an entry in ClinVar:

ClinVar aggregate classification (germline): Pathogenic. Review status: criteria provided, multiple submitters, no conflicts (2 of 4 stars). 2 submissions from 2 submitters: Pathogenic (2). Last evaluated 2022-10-10.

Conditions:
Duchenne muscular dystrophy (DMD). Also called: Duchenne Muscular Dystrophy (DMD); MUSCULAR DYSTROPHY, PSEUDOHYPERTROPHIC PROGRESSIVE, DUCHENNE TYPE. Identifiers: Orphanet 98896, MedGen C0013264, MONDO:0010679, OMIM 310200.

Submissions (2):

Labcorp Genetics (formerly Invitae), Labcorp
Classification: Pathogenic for Duchenne muscular dystrophy. Last evaluated: 2022-10-10. Review status: criteria provided, single submitter. Criteria: Invitae Variant Classification Sherloc (09022015). Collection method: clinical testing. Allele origin: germline.
Comment: For these reasons, this variant has been classified as Pathogenic. Algorithms developed to predict the effect of sequence changes on RNA splicing suggest that this variant may disrupt the consensus splice site. ClinVar contains an entry for this variant (Variation ID: 265413). This premature translational stop signal has been observed in individual(s) with Duchenne muscular dystrophy (PMID: 15351422). This variant is not present in population databases (gnomAD no frequency). This sequence change creates a premature translational stop signal (p.Lys1772*) in the DMD gene. It is expected to result in an absent or disrupted protein product. Loss-of-function variants in DMD are known to be pathogenic (PMID: 16770791, 25007885).

GeneDx
Classification: Pathogenic. Last evaluated: 2016-08-16. Review status: criteria provided, single submitter. Criteria: GeneDx Variant Classification (06012015). Collection method: clinical testing. Allele origin: germline. Affected: yes.
Comment: The K1772X variant has been reported previously in association with Duchenne muscular dystrophy (Tuffery-Giraud et al., 2004). This variant is predicted to cause loss of normal protein function either through protein truncation or nonsense-mediated mRNA decay. It was not observed in approximately 6,500 individuals of European and African American ancestry in the NHLBI Exome Sequencing Project, indicating it is not a common benign variant in these populations.

Literature cited by the submitters: PubMed 15351422 (cited by Labcorp Genetics (formerly Invitae), Labcorp); PubMed 16770791 (cited by Labcorp Genetics (formerly Invitae), Labcorp); PubMed 25007885 (cited by Labcorp Genetics (formerly Invitae), Labcorp).

NM_004006.3(DMD):c.5314A>T (p.Lys1772Ter)

Gene: DMD (dystrophin; minus strand). Cytogenetic location: Xp21.1.
Variant type: single nucleotide variant.
Coding change: c.5314A>T on transcript NM_004006.3 (MANE Select); coding-DNA position 5314, A replaced by T.
Protein change: p.Lys1772Ter; replaces lysine 1772 with a stop codon.
Molecular consequence: nonsense.
Genome position (GRCh38, 1-based): chrX:32,362,799, T>A on the plus strand (A>T on the coding strand, the complement: DMD is on the minus strand). VCF-style: chrX-32362799-T-A. GRCh37 (hg19) VCF-style: chrX-32380916-T-A.
Other names: c.5290A>T, p.Lys1764Ter (NM_000109.4); c.5302A>T, p.Lys1768Ter (NM_004009.3); c.4945A>T, p.Lys1649Ter (NM_004010.3); c.1291A>T, p.Lys431Ter (NM_004011.4); c.1282A>T, p.Lys428Ter (NM_004012.4); short protein forms K1772*, K431*, K1649*, K428*, K1764*, K1768*.
Identifiers: ClinVar variation 265413 (VCV000265413.8), dbSNP rs886039535, ClinGen allele CA10588770.
Genomic context (GRCh38, chrX:32,362,799, plus strand): 5'-GCAAGAGACCATTTAGCACAAGTTTCCACCTTGGAGTAGATCTTCCTACCTTTCCAGTCT[T>A]AATTCTGTGTGAAATGGCTGCAAATCGATGGTTGAGCTCTGAGATTTGGGGCTCTACTAA-3'